The following is an entry in ClinVar:

NM_000718.4(CACNA1B):c.2662C>T (p.Pro888Ser)

Gene: CACNA1B (calcium voltage-gated channel subunit alpha1 B; plus strand). Cytogenetic location: 9q34.3.
Variant type: single nucleotide variant.
Coding change: c.2662C>T on transcript NM_000718.4 (MANE Select); coding-DNA position 2662, C replaced by T.
Protein change: p.Pro888Ser; replaces proline 888 with serine.
Molecular consequence: missense variant.
Genome position (GRCh38, 1-based): chr9:138,023,405, C>T. VCF-style: chr9-138023405-C-T. GRCh37 (hg19) VCF-style: chr9-140917857-C-T.
Other names: c.2662C>T, p.Pro888Ser (NM_001243812.2); short protein forms P888S.
Identifiers: ClinVar variation 1967973 (VCV001967973.3), dbSNP rs1958875490, ClinGen allele CA375809868.

ClinVar aggregate classification (germline): Uncertain significance (1 of 4 stars; one submission).

Allele frequency attached by ClinVar (database versions not stated): TOPMed below 0.00001.

Submission:

Labcorp Genetics (formerly Invitae), Labcorp
Classification: Uncertain significance. Last evaluated: 2021-12-20. Review status: criteria provided, single submitter. Criteria: Invitae Variant Classification Sherloc (09022015). Collection method: clinical testing. Allele origin: germline.
Comment: In summary, the available evidence is currently insufficient to determine the role of this variant in disease. Therefore, it has been classified as a Variant of Uncertain Significance. Advanced modeling of protein sequence and biophysical properties (such as structural, functional, and spatial information, amino acid conservation, physicochemical variation, residue mobility, and thermodynamic stability) performed at Invitae indicates that this missense variant is not expected to disrupt CACNA1B protein function. This variant has not been reported in the literature in individuals affected with CACNA1B-related conditions. The frequency data for this variant in the population databases is considered unreliable, as metrics indicate insufficient coverage at this position in the gnomAD database. This sequence change replaces proline, which is neutral and non-polar, with serine, which is neutral and polar, at codon 888 of the CACNA1B protein (p.Pro888Ser).